The following is an entry in ClinVar:

NM_145290.4(ADGRA3):c.3383A>T (p.Asn1128Ile)

Gene: ADGRA3 (adhesion G protein-coupled receptor A3; minus strand). Cytogenetic location: 4p15.2.
Variant type: single nucleotide variant.
Coding change: c.3383A>T on transcript NM_145290.4 (MANE Select); coding-DNA position 3383, A replaced by T.
Protein change: p.Asn1128Ile; replaces asparagine 1128 with isoleucine.
Molecular consequence: missense variant.
Genome position (GRCh38, 1-based): chr4:22,388,288, T>A on the plus strand (A>T on the coding strand, the complement: ADGRA3 is on the minus strand). VCF-style: chr4-22388288-T-A. GRCh37 (hg19) VCF-style: chr4-22389911-T-A.
Other names: short protein forms N1128I.
Identifiers: ClinVar variation 1945441 (VCV001945441.5), dbSNP rs545763677, ClinGen allele CA2873381.
Genomic context (GRCh38, chr4:22,388,288, plus strand): 5'-TCCATTGAATGTTCTGTCAGACTATTATCAAGCTGAGGGGTGGAGTTCAAAGGTAAAGAA[T>A]TGGCATGGCACTGAGCTGCAGCCGCCTGCAAGTTTGTTAATTTGCAGCCCTGGGAGGAAT-3'
Protein context (NP_660333.2, residues 1118-1138): LQAAAAQCHA[Asn1128Ile]SLPLNSTPQL

ClinVar aggregate classification (germline): Uncertain significance (1 of 4 stars; one submission).

gnomAD v4.1: 1 of 1,614,110 alleles (0.000062%); highest among the groups gnomAD compares: Non-Finnish European, 0.000085%; no homozygotes.

Submission:

Labcorp Genetics (formerly Invitae), Labcorp
Classification: Uncertain significance. Last evaluated: 2022-08-09. Review status: criteria provided, single submitter. Criteria: Invitae Variant Classification Sherloc (09022015). Collection method: clinical testing. Allele origin: germline.
Comment: In summary, the available evidence is currently insufficient to determine the role of this variant in disease. Therefore, it has been classified as a Variant of Uncertain Significance. Algorithms developed to predict the effect of missense changes on protein structure and function (SIFT, PolyPhen-2, Align-GVGD) all suggest that this variant is likely to be tolerated. This variant has not been reported in the literature in individuals affected with ADGRA3-related conditions. This variant is present in population databases (rs545763677, gnomAD no frequency). This sequence change replaces asparagine, which is neutral and polar, with isoleucine, which is neutral and non-polar, at codon 1128 of the ADGRA3 protein (p.Asn1128Ile).